The following is an entry in ClinVar:

NM_003647.3(DGKE):c.1018A>G (p.Met340Val)

Gene: DGKE (diacylglycerol kinase epsilon; plus strand). Cytogenetic location: 17q22.
Variant type: single nucleotide variant.
Coding change: c.1018A>G on transcript NM_003647.3 (MANE Select); coding-DNA position 1018, A replaced by G.
Protein change: p.Met340Val; replaces methionine 340 with valine.
Molecular consequence: missense variant.
Genome position (GRCh38, 1-based): chr17:56,848,825, A>G. VCF-style: chr17-56848825-A-G. GRCh37 (hg19) VCF-style: chr17-54926186-A-G.
Other names: short protein forms M340V.
Identifiers: ClinVar variation 3369582 (VCV003369582.1).

ClinVar aggregate classification (germline): Uncertain significance (1 of 4 stars; one submission).

Submission:

GeneDx
Classification: Uncertain significance. Last evaluated: 2024-02-27. Review status: criteria provided, single submitter. Criteria: GeneDx Variant Classification Process June 2021. Collection method: clinical testing. Allele origin: germline. Affected: yes.
Comment: Not observed at significant frequency in large population cohorts (gnomAD); In silico analysis supports that this missense variant does not alter protein structure/function; Has not been previously published as pathogenic or benign to our knowledge